The following is an entry in ClinVar:

ClinVar aggregate classification (germline): Pathogenic (1 of 4 stars; one submission).

Conditions:
Spastic paraplegia. Identifiers: MedGen C0037772, HP:0001258.

Allele frequency attached by ClinVar (database versions not stated): gnomAD 0.00001.

Submission:

Labcorp Genetics (formerly Invitae), Labcorp
Classification: Pathogenic for Spastic paraplegia. Last evaluated: 2019-12-21. Review status: criteria provided, single submitter. Criteria: Invitae Variant Classification Sherloc (09022015). Collection method: clinical testing. Allele origin: germline.
Comment: For these reasons, this variant has been classified as Pathogenic. This variant disrupts the C-terminus of the SACS protein. Other variant(s) that disrupt this region (p.Arg3903* and p.Leu4303*) have been determined to be pathogenic (PMID: 19892370, 21745802, Invitae). This suggests that variants that disrupt this region of the protein are likely to be causative of disease. This variant has not been reported in the literature in individuals with SACS-related conditions. This variant is not present in population databases (ExAC no frequency). This sequence change results in a premature translational stop signal in the SACS gene (p.Val3320Lysfs*6). While this is not anticipated to result in nonsense mediated decay, it is expected to disrupt the last 1260 amino acids of the SACS protein.

Literature cited by the submitters: PubMed 19892370; PubMed 21745802.

NM_014363.6(SACS):c.9956_9957dup (p.Val3320fs)

Gene: SACS (sacsin molecular chaperone; minus strand). Cytogenetic location: 13q12.12.
Variant type: Duplication.
Coding change: c.9956_9957dup on transcript NM_014363.6 (MANE Select); coding-DNA positions 9956 to 9957, 2 bases duplicated (AA; older notation c.9956_9957dupAA).
Protein change: p.Val3320fs; shifts the reading frame from valine 3320.
Molecular consequence: frameshift variant.
Genome position (GRCh38, 1-based): chr13:23,333,919-23,333,920, TT duplicated on the plus strand (AA on the coding strand, the reverse complement: SACS is on the minus strand); duplicating any 2 consecutive bases within chr13:23,333,919-23,333,921 gives the same sequence; the c. name uses the placement nearest the transcript's 3' end. VCF-style (leftmost placement, unchanged base first): chr13-23333918-C-CTT. GRCh37 (hg19) VCF-style: chr13-23908057-C-CTT.
Other names: c.9515_9516dup, p.Val3173fs (NM_001278055.2); short protein forms V3320fs, V3173fs.
Identifiers: ClinVar variation 836040 (VCV000836040.10), dbSNP rs772704931, ClinGen allele CA916083344.